The following is an entry in ClinVar:

ClinVar aggregate classification (germline): Uncertain significance. Review status: criteria provided, multiple submitters, no conflicts (2 of 4 stars). 2 submissions from 2 submitters: Uncertain significance (2). Last evaluated 2024-01-31.

Conditions:
Early-infantile DEE. Also called: Ohtahara syndrome; Early infantile epileptic encephalopathy with suppression bursts; Early infantile epileptic encephalopathy. Identifiers: Orphanet 1934, MedGen C0393706, MONDO:0800491.

Allele frequency attached by ClinVar (database versions not stated): gnomAD exomes below 0.00001; TOPMed below 0.00001; gnomAD 0.00001.
gnomAD v4.1: 2 of 1,613,872 alleles (0.00012%); highest among the groups gnomAD compares: South Asian, 0.0011%; no homozygotes.

Submissions (2):

Labcorp Genetics (formerly Invitae), Labcorp
Classification: Uncertain significance for Early-infantile DEE. Last evaluated: 2024-01-31. Review status: criteria provided, single submitter. Criteria: Invitae Variant Classification Sherloc (09022015). Collection method: clinical testing. Allele origin: germline.
Comment: This sequence change replaces tyrosine, which is neutral and polar, with cysteine, which is neutral and slightly polar, at codon 95 of the GNAO1 protein (p.Tyr95Cys). This variant is not present in population databases (gnomAD no frequency). This variant has not been reported in the literature in individuals affected with GNAO1-related conditions. This missense change has been observed in at least one individual who was not affected with GNAO1-related conditions (Invitae). ClinVar contains an entry for this variant (Variation ID: 1208260). Advanced modeling of protein sequence and biophysical properties (such as structural, functional, and spatial information, amino acid conservation, physicochemical variation, residue mobility, and thermodynamic stability) has been performed at Invitae for this missense variant, however the output from this modeling did not meet the statistical confidence thresholds required to predict the impact of this variant on GNAO1 protein function. In summary, the available evidence is currently insufficient to determine the role of this variant in disease. Therefore, it has been classified as a Variant of Uncertain Significance.

GeneDx
Classification: Uncertain significance. Last evaluated: 2019-10-10. Review status: criteria provided, single submitter. Criteria: GeneDx Variant Classification Process June 2021. Collection method: clinical testing. Allele origin: germline. Affected: yes.
Comment: Not observed in large population cohorts (Lek et al., 2016); In silico analysis, which includes protein predictors and evolutionary conservation, supports a deleterious effect; Has not been previously published as pathogenic or benign to our knowledge

NM_020988.3(GNAO1):c.284A>G (p.Tyr95Cys)

Gene: GNAO1 (G protein subunit alpha o1; plus strand). Cytogenetic location: 16q13.
Variant type: single nucleotide variant.
Coding change: c.284A>G on transcript NM_020988.3 (MANE Select); coding-DNA position 284, A replaced by G.
Protein change: p.Tyr95Cys; replaces tyrosine 95 with cysteine.
Molecular consequence: missense variant.
Genome position (GRCh38, 1-based): chr16:56,276,053, A>G. VCF-style: chr16-56276053-A-G. GRCh37 (hg19) VCF-style: chr16-56309965-A-G.
Other names: c.284A>G, p.Tyr95Cys (NM_138736.3); short protein forms Y95C.
Identifiers: ClinVar variation 1208260 (VCV001208260.8), dbSNP rs1341492901, ClinGen allele CA396128228.
Genomic context (GRCh38, chr16:56,276,053, plus strand): 5'-GCAACACTATCCAGTCCCTGGCAGCCATCGTCCGGGCCATGGACACTTTGGGCATCGAAT[A>G]TGGTGATAAGGAGAGAAAGGTAGGCCCCTGAGCCCATAAGCACAGCAACAAGAGGTTCTG-3'
Protein context (NP_066268.1, residues 85-105): VRAMDTLGIE[Tyr95Cys]GDKERKADAK